The following is an entry in ClinVar:

NM_001797.4(CDH11):c.750G>A (p.Gly250=)

Gene: CDH11 (cadherin 11; minus strand). Cytogenetic location: 16q21.
Variant type: single nucleotide variant.
Coding change: c.750G>A on transcript NM_001797.4 (MANE Select); coding-DNA position 750, G replaced by A.
Protein change: p.Gly250=; no amino-acid change (glycine 250 retained).
Molecular consequence: synonymous variant.
Genome position (GRCh38, 1-based): chr16:64,991,829, C>T on the plus strand (G>A on the coding strand, the complement: CDH11 is on the minus strand). VCF-style: chr16-64991829-C-T. GRCh37 (hg19) VCF-style: chr16-65025732-C-T.
Other names: c.750G>A, p.Gly250= (NM_001308392.2); c.372G>A, p.Gly124= (NM_001330576.2).
Identifiers: ClinVar variation 3389166 (VCV003389166.14).

ClinVar aggregate classification (germline): Likely benign (1 of 4 stars; one submission).

gnomAD v4.1: 12 of 1,613,864 alleles (0.00074%); highest among the groups gnomAD compares: Middle Eastern, 0.016%; no homozygotes.

Submission:

CeGaT Center for Human Genetics Tuebingen
Classification: Likely benign. Last evaluated: 2024-08-01. Review status: criteria provided, single submitter. Criteria: CeGaT Center For Human Genetics Tuebingen Variant Classification Criteria Version 2. Collection method: clinical testing. Allele origin: germline. Affected: yes. Observed: 1 variant allele.
Comment: CDH11: BP4, BP7